The following is an entry in ClinVar:

ClinVar aggregate classification (germline): Uncertain significance. Review status: criteria provided, multiple submitters, no conflicts (2 of 4 stars). 2 submissions from 2 submitters: Uncertain significance (2). Last evaluated 2025-04-20.

Allele frequency attached by ClinVar (database versions not stated): ExAC 0.00005; 1000 Genomes Project 30x 0.00047.
gnomAD v4.1: 15 of 1,582,798 alleles (0.00095%); highest among the groups gnomAD compares: Admixed American, 0.022%; no homozygotes.

Submissions (2):

Ambry Genetics
Classification: Uncertain significance. Last evaluated: 2025-04-20. Review status: criteria provided, single submitter. Criteria: Ambry Variant Classification Scheme 2023. Collection method: clinical testing. Allele origin: germline.

Labcorp Genetics (formerly Invitae), Labcorp
Classification: Uncertain significance. Last evaluated: 2024-12-03. Review status: criteria provided, single submitter. Criteria: Invitae Variant Classification Sherloc (09022015). Collection method: clinical testing. Allele origin: germline.
Comment: This sequence change replaces alanine, which is neutral and non-polar, with threonine, which is neutral and polar, at codon 36 of the ADGRB2 protein (p.Ala36Thr). This variant is present in population databases (rs202099864, gnomAD 0.03%). This variant has not been reported in the literature in individuals affected with ADGRB2-related conditions. ClinVar contains an entry for this variant (Variation ID: 2217800). An algorithm developed to predict the effect of missense changes on protein structure and function (PolyPhen-2) suggests that this variant is likely to be disruptive. In summary, the available evidence is currently insufficient to determine the role of this variant in disease. Therefore, it has been classified as a Variant of Uncertain Significance.

NM_001364857.2(ADGRB2):c.106G>A (p.Ala36Thr)

Gene: ADGRB2 (adhesion G protein-coupled receptor B2; minus strand). Cytogenetic location: 1p35.2.
Variant type: single nucleotide variant.
Coding change: c.106G>A on transcript NM_001364857.2 (MANE Select); coding-DNA position 106, G replaced by A.
Protein change: p.Ala36Thr; replaces alanine 36 with threonine.
Molecular consequence: missense variant.
Genome position (GRCh38, 1-based): chr1:31,756,731, C>T on the plus strand (G>A on the coding strand, the complement: ADGRB2 is on the minus strand). VCF-style: chr1-31756731-C-T. GRCh37 (hg19) VCF-style: chr1-32222332-C-T.
Other names: c.106G>A, p.Ala36Thr (NM_001294335.2, NM_001294336.2, NM_001703.2); short protein forms A36T.
Identifiers: ClinVar variation 2217800 (VCV002217800.5), dbSNP rs202099864, ClinGen allele CA736208.